The following is an entry in ClinVar:

NM_002691.4(POLD1):c.1243-34G>A

Gene: POLD1 (DNA polymerase delta 1, catalytic subunit; plus strand). Cytogenetic location: 19q13.33.
Variant type: single nucleotide variant.
Coding change: c.1243-34G>A on transcript NM_002691.4 (MANE Select); 34 bases into the intron before coding-DNA position 1243, G replaced by A.
Molecular consequence: intron variant.
Genome position (GRCh38, 1-based): chr19:50,406,148, G>A. VCF-style: chr19-50406148-G-A. GRCh37 (hg19) VCF-style: chr19-50909405-G-A.
Other names: c.1243-34G>A (NM_001256849.1, NM_001308632.1).
Identifiers: ClinVar variation 676546 (VCV000676546.10), dbSNP rs3218764, ClinGen allele CA9596085.

ClinVar aggregate classification (germline): Benign. Review status: criteria provided, multiple submitters, no conflicts (2 of 4 stars). 4 submissions from 4 submitters: Benign (4). Last evaluated 2025-07-10.

Conditions:
Hereditary cancer-predisposing syndrome. Also called: Neoplastic Syndromes, Hereditary; Tumor predisposition; Hereditary neoplastic syndrome; Hereditary Cancer Syndrome. Identifiers: Orphanet 140162, MedGen C0027672, MeSH D009386, MONDO:0015356.

Allele frequency attached by ClinVar (database versions not stated): ExAC 0.03248; gnomAD 0.08180 and 0.08605; TOPMed 0.09182; ESP Exome Variant Server 0.09196; 1000 Genomes Project 0.10164; 1000 Genomes Project 30x 0.10400.
gnomAD v4.1: 29,047 of 1,600,216 alleles (1.8%); highest among the groups gnomAD compares: African/African-American, 28%; 3,112 homozygotes.

Submissions (4):

GeneKor MSA
Classification: Benign for Hereditary cancer-predisposing syndrome. Last evaluated: 2025-07-10. Review status: criteria provided, single submitter. Criteria: ACMG Guidelines, 2015. Collection method: clinical testing. Allele origin: germline.

Center for Genomic Medicine, Rigshospitalet, Copenhagen University Hospital
Classification: Benign. Last evaluated: 2025-03-04. Review status: criteria provided, single submitter. Criteria: ACMG Guidelines, 2015. Collection method: clinical testing. Allele origin: germline.

GeneDx
Classification: Benign. Last evaluated: 2018-06-12. Review status: criteria provided, single submitter. Criteria: GeneDx Variant Classification (06012015). Collection method: clinical testing. Allele origin: germline. Affected: yes.
Comment: This variant is considered likely benign or benign based on one or more of the following criteria: it is a conservative change, it occurs at a poorly conserved position in the protein, it is predicted to be benign by multiple in silico algorithms, and/or has population frequency not consistent with disease.

Breakthrough Genomics
Classification: Benign. Review status: criteria provided, single submitter. Criteria: ACMG Guidelines, 2015. Collection method: not provided. Allele origin: germline. Inheritance: Autosomal dominant inheritance. Affected: yes.